The following is an entry in ClinVar:

ClinVar aggregate classification (germline): Uncertain significance. Review status: criteria provided, multiple submitters, no conflicts (2 of 4 stars). 4 submissions from 3 submitters: Uncertain significance (3). 1 of the submissions does not count toward it. Last evaluated 2022-02-03.

Conditions:
TTC21B-related disorder. Also called: TTC21B-related condition; TTC21B-related disorders.
Nephronophthisis 12 (NPHP12). Identifiers: Orphanet 655, MedGen C3151186, MONDO:0013442, OMIM 613820.
Asphyxiating thoracic dystrophy 4 (SRTD4). Also called: SHORT-RIB THORACIC DYSPLASIA 4 WITH OR WITHOUT POLYDACTYLY; SHORT-RIB THORACIC DYSPLASIA 4. Identifiers: Orphanet 474, MedGen C3151185, MONDO:0013441, OMIM 613819.

Allele frequency attached by ClinVar (database versions not stated): gnomAD exomes below 0.00001 and 0.00001; ExAC 0.00001; gnomAD 0.00001; TOPMed 0.00002; ESP Exome Variant Server 0.00008.
gnomAD v4.1: 18 of 1,613,928 alleles (0.0011%); highest among the groups gnomAD compares: Non-Finnish European, 0.0014%; no homozygotes.

Submissions (4):

Fulgent Genetics
Classification: Uncertain significance for Asphyxiating thoracic dystrophy 4; Nephronophthisis 12. Last evaluated: 2022-02-03. Review status: criteria provided, single submitter. Criteria: ACMG Guidelines, 2015. Collection method: clinical testing. Allele origin: unknown.

Illumina Laboratory Services, Illumina
Classification: Uncertain significance for Asphyxiating thoracic dystrophy 4. Last evaluated: 2018-01-13. Review status: criteria provided, single submitter. Criteria: ICSL Variant Classification Criteria 13 December 2019. Collection method: clinical testing. Allele origin: germline.

Illumina Laboratory Services, Illumina
Classification: Uncertain significance for Nephronophthisis 12. Last evaluated: 2018-01-13. Review status: criteria provided, single submitter. Criteria: ICSL Variant Classification Criteria 13 December 2019. Collection method: clinical testing. Allele origin: germline.

PreventionGenetics, part of Exact Sciences
Classification: Uncertain significance for TTC21B-related condition. Last evaluated: 2024-08-22. Review status: no assertion criteria provided. Collection method: clinical testing. Allele origin: germline. Not counted in ClinVar's aggregate classification.
Comment: The TTC21B c.1732G>C variant is predicted to result in the amino acid substitution p.Glu578Gln. To our knowledge, this variant has not been reported in the literature. This variant is reported in 0.00088% of alleles in individuals of European (Non-Finnish) descent in gnomAD. At this time, the clinical significance of this variant is uncertain due to the absence of conclusive functional and genetic evidence.

NM_024753.5(TTC21B):c.1732G>C (p.Glu578Gln)

Gene: TTC21B (tetratricopeptide repeat domain 21B; minus strand). Cytogenetic location: 2q24.3.
Variant type: single nucleotide variant.
Coding change: c.1732G>C on transcript NM_024753.5 (MANE Select); coding-DNA position 1732, G replaced by C.
Protein change: p.Glu578Gln; replaces glutamic acid 578 with glutamine.
Molecular consequence: missense variant.
Genome position (GRCh38, 1-based): chr2:165,917,424, C>G on the plus strand (G>C on the coding strand, the complement: TTC21B is on the minus strand). VCF-style: chr2-165917424-C-G. GRCh37 (hg19) VCF-style: chr2-166773934-C-G.
Other names: short protein forms E578Q.
Identifiers: ClinVar variation 331832 (VCV000331832.7), dbSNP rs377128320, ClinGen allele CA1942031.